The following is an entry in ClinVar:

NM_001271.4(CHD2):c.1122_1125del (p.Lys375fs)

Gene: CHD2 (chromodomain helicase DNA binding protein 2; plus strand). Cytogenetic location: 15q26.1.
Variant type: Deletion.
Coding change: c.1122_1125del on transcript NM_001271.4 (MANE Select); coding-DNA positions 1122 to 1125, 4 bases deleted (TAAA; older notation c.1122_1125delTAAA).
Protein change: p.Lys375fs; shifts the reading frame from lysine 375.
Molecular consequence: frameshift variant.
Genome position (GRCh38, 1-based): chr15:92,944,484-92,944,487, TAAA deleted; deleting any 4 consecutive bases within chr15:92,944,482-92,944,487 gives the same sequence; the c. name uses the placement nearest the transcript's 3' end. VCF-style (leftmost placement, unchanged base first): chr15-92944481-GAATA-G. GRCh37 (hg19) VCF-style: chr15-93487711-GAATA-G.
Other names: c.1122_1125del, p.Lys375fs (NM_001042572.3); short protein forms K375fs.
Identifiers: ClinVar variation 4294374 (VCV004294374.1).
Genomic context (GRCh38, chr15:92,944,481, plus strand): 5'-GAAAGTTTCTCCTGAAGATGTAGAATATTTCAATTGCCAACAGGAGCTGGCTTCAGAGTT[GAATA>G]AACAGTATCAGATAGTAGAAAGAGTAATAGGTAAGTACATGGTAACTCACTTCAGCCATA-3'

ClinVar aggregate classification (germline): Pathogenic (1 of 4 stars; one submission).

Conditions:
Developmental and epileptic encephalopathy 94 (DEE94). Also called: CHD2-Related Neurodevelopmental Disorders; Epileptic encephalopathy, childhood-onset. Identifiers: Orphanet 1942, Orphanet 2382, MedGen C3809278, MONDO:0014150, OMIM 615369.

Submission:

Laboratoire Génétique Moléculaire, CHRU TOURS
Classification: Pathogenic for Developmental and epileptic encephalopathy 94. Last evaluated: 2024-03-14. Review status: criteria provided, single submitter. Criteria: ACMG Guidelines, 2015. Collection method: clinical testing. Allele origin: maternal. Affected: yes.
Comment: PVS1;PM2;PP4